The following is an entry in ClinVar:

NM_015662.3(IFT172):c.4521A>C (p.Arg1507=)

Gene: IFT172 (intraflagellar transport 172; minus strand). Cytogenetic location: 2p23.3.
Variant type: single nucleotide variant.
Coding change: c.4521A>C on transcript NM_015662.3 (MANE Select); coding-DNA position 4521, A replaced by C.
Protein change: p.Arg1507=; no amino-acid change (arginine 1507 retained).
Molecular consequence: synonymous variant.
Genome position (GRCh38, 1-based): chr2:27,447,830, T>G on the plus strand (A>C on the coding strand, the complement: IFT172 is on the minus strand). VCF-style: chr2-27447830-T-G. GRCh37 (hg19) VCF-style: chr2-27670697-T-G.
Other names: c.4521A>C (NM_015662.2).
Identifiers: ClinVar variation 1079000 (VCV001079000.10), dbSNP rs1244568496, ClinGen allele CA425414422.

ClinVar aggregate classification (germline): Likely benign. Review status: criteria provided, single submitter (1 of 4 stars). 2 submissions from 2 submitters: Likely benign (1). 1 of the submissions does not count toward it. Last evaluated 2022-10-13.

Conditions:
Retinitis pigmentosa 71 (RP71). Identifiers: Orphanet 791, MedGen C4225342, MONDO:0014618, OMIM 616394.
Short-rib thoracic dysplasia 10 with or without polydactyly (SRTD10). Identifiers: Orphanet 474, MedGen C3810175, MONDO:0014284, OMIM 615630.
IFT172-related disorder. Also called: IFT172-related condition; IFT172-related disorders.

Submissions (2):

Labcorp Genetics (formerly Invitae), Labcorp
Classification: Likely benign for Retinitis pigmentosa 71; Short-rib thoracic dysplasia 10 with or without polydactyly. Last evaluated: 2022-10-13. Review status: criteria provided, single submitter. Criteria: Invitae Variant Classification Sherloc (09022015). Collection method: clinical testing. Allele origin: germline.

PreventionGenetics, part of Exact Sciences
Classification: Likely benign for IFT172-related condition. Last evaluated: 2022-05-26. Review status: no assertion criteria provided. Collection method: clinical testing. Allele origin: germline. Not counted in ClinVar's aggregate classification.
Comment: This variant is classified as likely benign based on ACMG/AMP sequence variant interpretation guidelines (Richards et al. 2015 PMID: 25741868, with internal and published modifications).